The following is an entry in ClinVar:

NM_002180.3(IGHMBP2):c.891del (p.Lys298fs)

Gene: IGHMBP2 (immunoglobulin mu DNA binding protein 2; plus strand). Cytogenetic location: 11q13.3.
Variant type: Deletion.
Coding change: c.891del on transcript NM_002180.3 (MANE Select); coding-DNA position 891, one base deleted (G; older notation c.891delG).
Protein change: p.Lys298fs; shifts the reading frame from lysine 298.
Molecular consequence: frameshift variant.
Genome position (GRCh38, 1-based): chr11:68,915,002, G deleted; the last of 2 consecutive G bases (chr11:68,915,001-68,915,002); deleting either gives the same sequence. VCF-style (leftmost placement, unchanged base first): chr11-68915000-AG-A. GRCh37 (hg19) VCF-style: chr11-68682468-AG-A.
Other names: short protein forms K298fs.
Identifiers: ClinVar variation 1945190 (VCV001945190.5), dbSNP rs2495982356, ClinGen allele CA2580084776.
Genomic context (GRCh38, chr11:68,915,000, plus strand): 5'-CAGCACTCCCTGGATGCGGTTTTAGCGCGGAGCGACAGTGCCCAGATTGTTGCAGATATC[AG>A]GAAGGACATCGACCAGGTCTTTGTAGGTGTCATGGCCAGTGTCCATGTGGGGCGTGGGCT-3'

ClinVar aggregate classification (germline): Pathogenic (1 of 4 stars; one submission).

Conditions:
Autosomal recessive distal spinal muscular atrophy 1. Also called: NEURONOPATHY, DISTAL HEREDITARY MOTOR, HARDING TYPE VI; NEUROPATHY, DISTAL HEREDITARY MOTOR, AUTOSOMAL RECESSIVE 1; NEURONOPATHY, SEVERE INFANTILE AXONAL, WITH RESPIRATORY FAILURE; Spinal muscular atrophy with respiratory distress 1; HMN VI; SEVERE INFANTILE AXONAL NEUROPATHY WITH RESPIRATORY FAILURE. Identifiers: Orphanet 98920, MedGen C1858517, MONDO:0011436, OMIM 604320.
Charcot-Marie-Tooth disease axonal type 2S. Also called: CHARCOT-MARIE-TOOTH NEUROPATHY, TYPE 2S; CHARCOT-MARIE-TOOTH DISEASE, AXONAL, AUTOSOMAL RECESSIVE, TYPE 2S. Identifiers: Orphanet 443073, MedGen C4015349, MONDO:0014511, OMIM 616155.

Submission:

Labcorp Genetics (formerly Invitae), Labcorp
Classification: Pathogenic for Autosomal recessive distal spinal muscular atrophy 1; Charcot-Marie-Tooth disease axonal type 2S. Last evaluated: 2022-04-07. Review status: criteria provided, single submitter. Criteria: Invitae Variant Classification Sherloc (09022015). Collection method: clinical testing. Allele origin: germline.
Comment: This variant is not present in population databases (gnomAD no frequency). This sequence change creates a premature translational stop signal (p.Lys298Argfs*8) in the IGHMBP2 gene. It is expected to result in an absent or disrupted protein product. Loss-of-function variants in IGHMBP2 are known to be pathogenic (PMID: 14681881, 25439726, 25568292). This variant has not been reported in the literature in individuals affected with IGHMBP2-related conditions. For these reasons, this variant has been classified as Pathogenic.

Literature cited by the submitters: PubMed 14681881; PubMed 25439726; PubMed 25568292.